The following is an entry in ClinVar:

NM_001330260.2(SCN8A):c.1228G>A (p.Val410Met)

Gene: SCN8A (sodium voltage-gated channel alpha subunit 8; plus strand). Cytogenetic location: 12q13.13.
Variant type: single nucleotide variant.
Coding change: c.1228G>A on transcript NM_001330260.2 (MANE Select); coding-DNA position 1228, G replaced by A.
Protein change: p.Val410Met; replaces valine 410 with methionine.
Molecular consequence: missense variant.
Genome position (GRCh38, 1-based): chr12:51,705,510, G>A. VCF-style: chr12-51705510-G-A. GRCh37 (hg19) VCF-style: chr12-52099294-G-A.
Other names: c.1228G>A, p.Val410Met (NM_001177984.3, NM_001369788.1, NM_014191.4); short protein forms V410M.
Identifiers: ClinVar variation 2231762 (VCV002231762.2), dbSNP rs879255699, ClinGen allele CA385227988.

ClinVar aggregate classification (germline): Likely pathogenic (1 of 4 stars; one submission).

Conditions:
Inborn genetic diseases. Identifiers: MedGen C0950123, MeSH D030342.

Submission:

Ambry Genetics
Classification: Likely pathogenic for Inborn genetic diseases. Last evaluated: 2021-09-27. Review status: criteria provided, single submitter. Criteria: Ambry Variant Classification Scheme 2023. Collection method: clinical testing. Allele origin: germline.
Comment: The c.1228G>A (p.V410M) alteration is located in exon 10 (coding exon 9) of the SCN8A gene. This alteration results from a G to A substitution at nucleotide position 1228, causing the valine (V) at amino acid position 410 to be replaced by a methionine (M). This variant was not reported in population-based cohorts in the Genome Aggregation Database (gnomAD). This variant occurred de novo in two individuals with epilepsy (Peng, 2019; Ambry internal data). An alteration affecting the same amino acid, p.V410L, was reported de novo in an individual with epileptic encephalopathy (Larsen, 2015). This amino acid position is highly conserved in available vertebrate species. This alteration is predicted to be deleterious by in silico analysis. Based on the available evidence, this alteration is classified as likely pathogenic.

Literature cited by the submitters: PubMed 25568300; PubMed 29933521.